The following is an entry in ClinVar:

ClinVar aggregate classification (germline): Likely benign. Review status: criteria provided, multiple submitters, no conflicts (2 of 4 stars). 3 submissions from 3 submitters: Likely benign (2). 1 of the submissions does not count toward it. Last evaluated 2025-12-20.

Conditions:
CTPS1-related disorder. Also called: CTPS1-related condition.
Combined immunodeficiency due to CTPS1 deficiency. Also called: Immunodeficiency 24; Severe combined immunodeficiency due to CTPS1 deficiency. Identifiers: Orphanet 420573, MedGen C4014617, MONDO:0014391, OMIM 615897.

Allele frequency attached by ClinVar (database versions not stated): TOPMed 0.00015; gnomAD exomes 0.00020; ExAC 0.00021; gnomAD 0.00021; ESP Exome Variant Server 0.00023; 1000 Genomes Project 0.00040; 1000 Genomes Project 30x 0.00047.
gnomAD v4.1: 272 of 1,614,016 alleles (0.017%); highest among the groups gnomAD compares: Admixed American, 0.043%; no homozygotes.

Submissions (4):

Labcorp Genetics (formerly Invitae), Labcorp
Classification: Likely benign for Combined immunodeficiency due to CTPS1 deficiency. Last evaluated: 2025-12-20. Review status: criteria provided, single submitter. Criteria: Invitae Variant Classification Sherloc (09022015). Collection method: clinical testing. Allele origin: germline.

Genetic Services Laboratory, University of Chicago
Classification: Likely benign. Last evaluated: 2021-06-15. Review status: criteria provided, single submitter. Criteria: ACMG Guidelines, 2015. Collection method: clinical testing. Allele origin: germline. Affected: no.

PreventionGenetics, part of Exact Sciences
Classification: Likely benign for CTPS1-related condition. Last evaluated: 2020-01-31. Review status: no assertion criteria provided. Collection method: clinical testing. Allele origin: germline. Not counted in ClinVar's aggregate classification.
Comment: This variant is classified as likely benign based on ACMG/AMP sequence variant interpretation guidelines (Richards et al. 2015 PMID: 25741868, with internal and published modifications).

Dr. Peter K. Rogan Lab, Western University
No classification provided (evidence only). Condition: Malignant lymphoma, large B-cell, diffuse. Review status: no classification provided. Collection method: in vitro. Allele origin: not applicable. Functional consequence: retained intron. Not counted in ClinVar's aggregate classification.

NM_001905.4(CTPS1):c.1488C>T (p.Gly496=)

Gene: CTPS1 (CTP synthase 1; plus strand). Cytogenetic location: 1p34.2.
Variant type: single nucleotide variant.
Coding change: c.1488C>T on transcript NM_001905.4 (MANE Select); coding-DNA position 1488, C replaced by T.
Protein change: p.Gly496=; no amino-acid change (glycine 496 retained).
Molecular consequence: synonymous variant. On other transcripts: non-coding transcript variant (1).
Genome position (GRCh38, 1-based): chr1:41,008,832, C>T. VCF-style: chr1-41008832-C-T. GRCh37 (hg19) VCF-style: chr1-41474504-C-T.
Other names: c.1020C>T, p.Gly340= (NM_001301237.2).
Identifiers: ClinVar variation 728570 (VCV000728570.17), dbSNP rs201824063, ClinGen allele CA795559.